The following is an entry in ClinVar:

ClinVar aggregate classification (germline): Uncertain significance. Review status: criteria provided, multiple submitters, no conflicts (2 of 4 stars). 2 submissions from 2 submitters: Uncertain significance (2). Last evaluated 2024-05-05.

Conditions:
Wilms tumor 1 (WT1). Also called: Wilms tumor, somatic. Identifiers: Orphanet 654, MedGen CN033288, MONDO:0008679, OMIM 194070.
Simpson-Golabi-Behmel syndrome type 1 (SGBS1). Also called: GPC3-Related Simpson-Golabi-Behmel Syndrome Type 1; BULLDOG SYNDROME; DYSPLASIA GIGANTISM SYNDROME, X-LINKED; GOLABI-ROSEN SYNDROME; SIMPSON DYSMORPHIA SYNDROME. Identifiers: Orphanet 373, MedGen C0796154, MONDO:0020602, OMIM 312870.

Allele frequency attached by ClinVar (database versions not stated): ExAC 0.00001; gnomAD exomes 0.00001.

Submissions (2):

Fulgent Genetics
Classification: Uncertain significance for Wilms tumor 1; Simpson-Golabi-Behmel syndrome type 1. Last evaluated: 2024-05-05. Review status: criteria provided, single submitter. Criteria: ACMG Guidelines, 2015. Collection method: clinical testing. Allele origin: germline.

Labcorp Genetics (formerly Invitae), Labcorp
Classification: Uncertain significance for Wilms tumor 1. Last evaluated: 2023-01-14. Review status: criteria provided, single submitter. Criteria: Invitae Variant Classification Sherloc (09022015). Collection method: clinical testing. Allele origin: germline.
Comment: This variant is present in population databases (rs774682860, gnomAD 0.01%). This variant has not been reported in the literature in individuals affected with GPC3-related conditions. ClinVar contains an entry for this variant (Variation ID: 1375655). Advanced modeling of protein sequence and biophysical properties (such as structural, functional, and spatial information, amino acid conservation, physicochemical variation, residue mobility, and thermodynamic stability) performed at Invitae indicates that this missense variant is not expected to disrupt GPC3 protein function. In summary, the available evidence is currently insufficient to determine the role of this variant in disease. Therefore, it has been classified as a Variant of Uncertain Significance. This sequence change replaces isoleucine, which is neutral and non-polar, with leucine, which is neutral and non-polar, at codon 228 of the GPC3 protein (p.Ile228Leu).

NM_004484.4(GPC3):c.682A>C (p.Ile228Leu)

Gene: GPC3 (glypican 3; minus strand). Cytogenetic location: Xq26.2.
Variant type: single nucleotide variant.
Coding change: c.682A>C on transcript NM_004484.4 (MANE Select); coding-DNA position 682, A replaced by C.
Protein change: p.Ile228Leu; replaces isoleucine 228 with leucine.
Molecular consequence: missense variant.
Genome position (GRCh38, 1-based): chrX:133,753,832, T>G on the plus strand (A>C on the coding strand, the complement: GPC3 is on the minus strand). VCF-style: chrX-133753832-T-G. GRCh37 (hg19) VCF-style: chrX-132887859-T-G.
Other names: c.682A>C, p.Ile228Leu (NM_001164617.2); c.634A>C, p.Ile212Leu (NM_001164618.2); c.520A>C, p.Ile174Leu (NM_001164619.2); short protein forms I174L, I228L, I212L.
Identifiers: ClinVar variation 1375655 (VCV001375655.9), dbSNP rs774682860, ClinGen allele CA10520807.
Genomic context (GRCh38, chrX:133,753,832, plus strand): 5'-ACTTCAGGTGATCAGTTGTGTTGATCACTTCAATTCCAAGATTCAGAGCCTGAAGGAAGA[T>G]CCTAGTGACTTGCAGTGACTTGGAAACCTGGGTCATAATAAGCTTGGGGAAATTCCCAAA-3'
Protein context (NP_004475.1, residues 218-238): QVSKSLQVTR[Ile228Leu]FLQALNLGIE